The following is an entry in ClinVar:

NM_003289.4(TPM2):c.727G>A (p.Glu243Lys)

Gene: TPM2 (tropomyosin 2; minus strand). Cytogenetic location: 9p13.3.
Variant type: single nucleotide variant.
Coding change: c.727G>A on transcript NM_003289.4 (MANE Select); coding-DNA position 727, G replaced by A.
Protein change: p.Glu243Lys; replaces glutamic acid 243 with lysine.
Molecular consequence: missense variant.
Genome position (GRCh38, 1-based): chr9:35,684,291, C>T on the plus strand (G>A on the coding strand, the complement: TPM2 is on the minus strand). VCF-style: chr9-35684291-C-T. GRCh37 (hg19) VCF-style: chr9-35684288-C-T.
Other names: c.727G>A, p.Glu243Lys (NM_001301226.2, NM_001301227.2, NM_213674.1); short protein forms E243K.
Identifiers: ClinVar variation 2167514 (VCV002167514.4), dbSNP rs775561043, ClinGen allele CA5047178.

ClinVar aggregate classification (germline): Uncertain significance (1 of 4 stars; one submission).

Conditions:
Arthrogryposis, distal, type 1A. Also called: ARTHROGRYPOSIS MULTIPLEX CONGENITA, DISTAL, TYPE I. Identifiers: Orphanet 1146, MedGen C6022280, MONDO:0007157, OMIM 108120.

Allele frequency attached by ClinVar (database versions not stated): gnomAD exomes 0.00001; ExAC 0.00002; gnomAD 0.00003.
gnomAD v4.1: 14 of 1,614,066 alleles (0.00087%); highest among the groups gnomAD compares: African/African-American, 0.0067%; no homozygotes.

Submission:

Labcorp Genetics (formerly Invitae), Labcorp
Classification: Uncertain significance for Arthrogryposis, distal, type 1A. Last evaluated: 2025-12-24. Review status: criteria provided, single submitter. Criteria: Invitae Variant Classification Sherloc (09022015). Collection method: clinical testing. Allele origin: germline.
Comment: This sequence change replaces glutamic acid, which is acidic and polar, with lysine, which is basic and polar, at codon 243 of the TPM2 protein (p.Glu243Lys). This variant is present in population databases (rs775561043, gnomAD 0.008%). This variant has not been reported in the literature in individuals affected with TPM2-related conditions. ClinVar contains an entry for this variant (Variation ID: 2167514). Invitae Evidence Modeling of protein sequence and biophysical properties (such as structural, functional, and spatial information, amino acid conservation, physicochemical variation, residue mobility, and thermodynamic stability) indicates that this missense variant is expected to disrupt TPM2 protein function with a positive predictive value of 80%. In summary, the available evidence is currently insufficient to determine the role of this variant in disease. Therefore, it has been classified as a Variant of Uncertain Significance.